The following is an entry in ClinVar:

ClinVar aggregate classification (germline): Conflicting classifications of pathogenicity. Review status: criteria provided, conflicting classifications (1 of 4 stars). 2 submissions from 2 submitters: Uncertain significance (1); Benign (1). Last evaluated 2026-06-08.

Conditions:
PHIP-related disorder. Also called: PHIP-related condition; PHIP-related disorders.

gnomAD v4.1: 3 of 1,612,392 alleles (0.00019%); highest among the groups gnomAD compares: Admixed American, 0.005%; no homozygotes.

Submissions (2):

PreventionGenetics, part of Exact Sciences
Classification: Uncertain significance for PHIP-related condition. Last evaluated: 2026-06-08. Review status: criteria provided, single submitter. Criteria: ACMG Guidelines, 2015. Collection method: clinical testing. Allele origin: germline.
Comment: The PHIP c.499A>T variant is predicted to result in the amino acid substitution p.Thr167Ser. To our knowledge, this variant has not been reported in the literature. This variant is reported in 0.0058% of alleles in individuals of Latino descent in gnomAD. At this time, the clinical significance of this variant is uncertain due to the absence of conclusive functional and genetic evidence.

Labcorp Genetics (formerly Invitae), Labcorp
Classification: Benign. Last evaluated: 2024-05-20. Review status: criteria provided, single submitter. Criteria: Invitae Variant Classification Sherloc (09022015). Collection method: clinical testing. Allele origin: germline.

NM_017934.7(PHIP):c.499A>T (p.Thr167Ser)

Gene: PHIP (PHIP subunit of CUL4-Ring ligase complex; minus strand). Cytogenetic location: 6q14.1.
Variant type: single nucleotide variant.
Coding change: c.499A>T on transcript NM_017934.7 (MANE Select); coding-DNA position 499, A replaced by T.
Protein change: p.Thr167Ser; replaces threonine 167 with serine.
Molecular consequence: missense variant.
Genome position (GRCh38, 1-based): chr6:79,042,944, T>A on the plus strand (A>T on the coding strand, the complement: PHIP is on the minus strand). VCF-style: chr6-79042944-T-A. GRCh37 (hg19) VCF-style: chr6-79752661-T-A.
Other names: c.499A>T (NM_017934.6); short protein forms T167S.
Identifiers: ClinVar variation 3682098 (VCV003682098.3).
Genomic context (GRCh38, chr6:79,042,944, plus strand): 5'-ACACAGATGACAAGTGTCCAAGAATTCGTTTATGCATTTTCATGTGCTGATACACTGCAG[T>A]TGGAACAAGTCGCTCAAGTCTGTATTTCCCATTCAGCTTCCTTGAAAACAGAGTATCCGC-3'
Protein context (NP_060404.4, residues 157-177): GKYRLERLVP[Thr167Ser]AVYQHMKMHK